The following is an entry in ClinVar:

ClinVar aggregate classification (germline): Uncertain significance (1 of 4 stars; one submission).

Conditions:
Hereditary cancer-predisposing syndrome. Also called: Neoplastic Syndromes, Hereditary; Tumor predisposition; Hereditary neoplastic syndrome; Hereditary Cancer Syndrome. Identifiers: Orphanet 140162, MedGen C0027672, MeSH D009386, MONDO:0015356.

Submission:

Ambry Genetics
Classification: Uncertain significance for Hereditary cancer-predisposing syndrome. Last evaluated: 2022-11-12. Review status: criteria provided, single submitter. Criteria: Ambry Variant Classification Scheme 2023. Collection method: clinical testing. Allele origin: germline.
Comment: The p.W93G variant (also known as c.277T>G), located in coding exon 1 of the GREM1 gene, results from a T to G substitution at nucleotide position 277. The tryptophan at codon 93 is replaced by glycine, an amino acid with highly dissimilar properties. This amino acid position is conserved. In addition, the in silico prediction for this alteration is inconclusive. Since supporting evidence is limited at this time, the clinical significance of this alteration remains unclear.

NM_013372.7(GREM1):c.277T>G (p.Trp93Gly)

Gene: GREM1 (gremlin 1, DAN family BMP antagonist; plus strand). Cytogenetic location: 15q13.3.
Variant type: single nucleotide variant.
Coding change: c.277T>G on transcript NM_013372.7 (MANE Select); coding-DNA position 277, T replaced by G.
Protein change: p.Trp93Gly; replaces tryptophan 93 with glycine.
Molecular consequence: missense variant.
Genome position (GRCh38, 1-based): chr15:32,730,967, T>G. VCF-style: chr15-32730967-T-G. GRCh37 (hg19) VCF-style: chr15-33023168-T-G.
Other names: c.67T>G, p.Trp23Gly (NM_001191322.2); c.154T>G, p.Trp52Gly (NM_001191323.2); c.277T>G, p.Trp93Gly (NM_001368719.1); short protein forms W23G, W93G, W52G.
Identifiers: ClinVar variation 2452380 (VCV002452380.2), dbSNP rs2548707752, ClinGen allele CA391557577.